The following is an entry in ClinVar:

NM_004415.4(DSP):c.8148dup (p.Trp2717fs)

Gene: DSP (desmoplakin; plus strand). Cytogenetic location: 6p24.3.
Variant type: Duplication.
Coding change: c.8148dup on transcript NM_004415.4 (MANE Select); coding-DNA position 8148, one base duplicated (A; older notation c.8148dupA).
Protein change: p.Trp2717fs; shifts the reading frame from tryptophan 2717.
Molecular consequence: frameshift variant.
Genome position (GRCh38, 1-based): chr6:7,585,410, A duplicated; the last of 5 consecutive A bases (chr6:7,585,406-7,585,410); duplicating any one gives the same sequence. VCF-style (leftmost placement, unchanged base first): chr6-7585405-G-GA. GRCh37 (hg19) VCF-style: chr6-7585638-G-GA.
Other names: c.6351dup, p.Trp2118fs (NM_001008844.3); c.6819dup, p.Trp2274fs (NM_001319034.2); c.8148dupA (NM_004415.2); short protein forms W2118fs, W2274fs, W2717fs.
Identifiers: ClinVar variation 3075387 (VCV003075387.6), dbSNP rs935685902, ClinGen allele CA133977270.

ClinVar aggregate classification (germline): Pathogenic/Likely pathogenic. Review status: criteria provided, multiple submitters, no conflicts (2 of 4 stars). 5 submissions from 5 submitters: Pathogenic (2); Likely pathogenic (3). Last evaluated 2026-08-01.

Conditions:
Cardiomyopathy (CMYO). Also called: Cardiomyopathies. Identifiers: Orphanet 167848, MedGen C0878544, MONDO:0004994, HP:0001638. Inheritance: Various modes of inheritance.
Cardiovascular phenotype. Identifiers: MedGen CN230736.
Arrhythmogenic cardiomyopathy with wooly hair and keratoderma. Also called: PALMOPLANTAR KERATODERMA WITH LEFT VENTRICULAR CARDIOMYOPATHY AND WOOLLY HAIR; Carvajal syndrome; Arrhythmogenic cardiomyopathy with woolly hair and keratoderma; Dilated cardiomyopathy with woolly hair and keratoderma. Identifiers: Orphanet 65282, MedGen C1854063, MONDO:0011581, OMIM 605676.
Arrhythmogenic right ventricular dysplasia 8 (ARVD8). Also called: Arrhythmogenic Right Ventricular Dysplasia/Cardiomyopathy 8; ARRHYTHMOGENIC RIGHT VENTRICULAR DYSPLASIA, FAMILIAL, 8; ARRHYTHMOGENIC RIGHT VENTRICULAR CARDIOMYOPATHY 8. Identifiers: MedGen C1843896, MONDO:0011831, OMIM 607450.

Submissions (5):

CeGaT Center for Human Genetics Tuebingen
Classification: Likely pathogenic. Last evaluated: 2026-08-01. Review status: criteria provided, single submitter. Criteria: CeGaT Center For Human Genetics Tuebingen Variant Classification Criteria Version 2. Collection method: clinical testing. Allele origin: germline. Affected: yes. Observed: 1 variant allele.
Comment: DSP: PVS1:Strong, PM2

Ambry Genetics
Classification: Pathogenic for Cardiovascular phenotype. Last evaluated: 2025-02-05. Review status: criteria provided, single submitter. Criteria: Ambry Variant Classification Scheme 2023. Collection method: clinical testing. Allele origin: germline.
Comment: The c.8148dupA pathogenic mutation, located in coding exon 24 of the DSP gene, results from a duplication of A at nucleotide position 8148, causing a translational frameshift with a predicted alternate stop codon (p.W2717Mfs*5). This alteration occurs at the 3' terminus of theDSP gene, is not expected to trigger nonsense-mediated mRNA decay, and impacts the last 5% of the protein. However, premature stop codons are typically deleterious in nature and the impacted region is critical for protein function (Ambry internal data). Alterations in DSP that result in haploinsufficiency or protein truncation have been reported in patients with arrhythmogenic right ventricular cardiomyopathy (ARVC) and dilated cardiomyopathy (DCM) (Fressart V et al. Europace.2010;12(6):861-8; Elliott P et al. Circ Cardiovasc Genet. 2010;3(4):314-22; Quarta G et al. Circulation.2011;123(23):2701-9; Garcia-Pavia P et al. Heart. 2011;97(21):1744-52; Rasmussen TB et al. Clin Genet.2013;84(1):20-30; Pugh TJ et al. Genet Med. 2014;16(8):601-8). Based on the supporting evidence, this variant is interpreted as a disease-causing mutation.

Labcorp Genetics (formerly Invitae), Labcorp
Classification: Pathogenic for Arrhythmogenic cardiomyopathy with wooly hair and keratoderma; Arrhythmogenic right ventricular dysplasia 8. Last evaluated: 2024-07-16. Review status: criteria provided, single submitter. Criteria: Invitae Variant Classification Sherloc (09022015). Collection method: clinical testing. Allele origin: germline.
Comment: This sequence change creates a premature translational stop signal (p.Trp2717Metfs*5) in the DSP gene. While this is not anticipated to result in nonsense mediated decay, it is expected to disrupt the last 155 amino acid(s) of the DSP protein. This variant is present in population databases (no rsID available, gnomAD 0.007%). This variant has not been reported in the literature in individuals affected with DSP-related conditions. This variant disrupts a region of the DSP protein in which other variant(s) (p.Gln2730Serfs*16) have been determined to be pathogenic (PMID: 27532257, 28527814; Invitae). This suggests that this is a clinically significant region of the protein, and that variants that disrupt it are likely to be disease-causing. For these reasons, this variant has been classified as Pathogenic.

All of Us Research Program, National Institutes of Health
Classification: Likely pathogenic for Arrhythmogenic cardiomyopathy with wooly hair and keratoderma. Last evaluated: 2024-01-22. Review status: criteria provided, single submitter. Criteria: ACMG Guidelines, 2015. Collection method: clinical testing. Allele origin: germline. Inheritance: Autosomal dominant inheritance. Observed: 1 variant allele, 1 heterozygote.
Comment: This variant inserts 1 nucleotide in exon 24 of the DSP gene, creating a frameshift and premature translation stop signal in the last exon. This variant is predicted to escape nonsense-mediated decay and be expressed as a truncated protein. Although functional studies have not been reported, this variant is expected to disrupt the plakin repeat domain C (a.a. 2609-2822). Plakin repeat domains and downstream C-terminal sequence have been reported to be essential for interaction with intermediate filaments (PMID: 12101406, 12802069, 21756917). In addition, truncating variants occurring downstream of this variant are known to be disease-causing (ClinVar variation ID: 263803; PMID: 21859740, 28527814). To our knowledge, this variant has not been reported in individuals affected with DSP-related disorders in the literature. This variant has been identified in 1/31380 chromosomes in the general population by the Genome Aggregation Database (gnomAD). Loss of DSP function is a known mechanism of disease. Based on the available evidence, this variant is classified as Likely Pathogenic.

This study involves interpretation of variants in research participants for the purpose of population health screening. Participant phenotype was not available at the time of variant classification. Additional details can be found in publication PMID: 35346344, PMCID: PMC8962531

Color Diagnostics, LLC DBA Color Health
Classification: Likely pathogenic for Cardiomyopathy. Last evaluated: 2023-11-20. Review status: criteria provided, single submitter. Criteria: ACMG Guidelines, 2015. Collection method: clinical testing. Allele origin: germline.
Comment: This variant inserts 1 nucleotide in exon 24 of the DSP gene, creating a frameshift and premature translation stop signal in the last exon. This variant is predicted to escape nonsense-mediated decay and be expressed as a truncated protein. Although functional studies have not been reported, this variant is expected to disrupt the plakin repeat domain C (a.a. 2609-2822). Plakin repeat domains and downstream C-terminal sequence have been reported to be essential for interaction with intermediate filaments (PMID: 12101406, 12802069, 21756917). In addition, truncating variants occurring downstream of this variant are known to be disease-causing (ClinVar variation ID: 263803; PMID: 21859740, 28527814). To our knowledge, this variant has not been reported in individuals affected with DSP-related disorders in the literature. This variant has been identified in 1/31380 chromosomes in the general population by the Genome Aggregation Database (gnomAD). Loss of DSP function is a known mechanism of disease. Based on the available evidence, this variant is classified as Likely Pathogenic.

Literature cited by the submitters: PubMed 27532257 (cited by Labcorp Genetics (formerly Invitae), Labcorp); PubMed 28527814 (cited by Labcorp Genetics (formerly Invitae), Labcorp and All of Us Research Program, National Institutes of Health); PubMed 12101406 (cited by All of Us Research Program, National Institutes of Health and Color Diagnostics, LLC DBA Color Health); PubMed 12802069 (cited by All of Us Research Program, National Institutes of Health and Color Diagnostics, LLC DBA Color Health); PubMed 21756917 (cited by All of Us Research Program, National Institutes of Health and Color Diagnostics, LLC DBA Color Health); PubMed 21859740 (cited by All of Us Research Program, National Institutes of Health).